The following is an entry in ClinVar:

NM_001378454.1(ALMS1):c.8600A>C (p.Glu2867Ala)

Gene: ALMS1 (ALMS1 centrosome and basal body associated protein; plus strand). Cytogenetic location: 2p13.1.
Variant type: single nucleotide variant.
Coding change: c.8600A>C on transcript NM_001378454.1 (MANE Select); coding-DNA position 8600, A replaced by C.
Protein change: p.Glu2867Ala; replaces glutamic acid 2867 with alanine.
Molecular consequence: missense variant.
Genome position (GRCh38, 1-based): chr2:73,490,559, A>C. VCF-style: chr2-73490559-A-C. GRCh37 (hg19) VCF-style: chr2-73717686-A-C.
Other names: c.8603A>C, p.Glu2868Ala (NM_015120.4); short protein forms E2867A, E2868A.
Identifiers: ClinVar variation 2038808 (VCV002038808.1), dbSNP rs749870806, ClinGen allele CA1714499.

ClinVar aggregate classification (germline): Uncertain significance (1 of 4 stars; one submission).

Conditions:
Alstrom syndrome (ALMS). Identifiers: Orphanet 64, MedGen C0268425, MONDO:0008763, OMIM 203800.

Allele frequency attached by ClinVar (database versions not stated): ExAC 0.00001; gnomAD 0.00001; TOPMed 0.00001.
gnomAD v4.1: 1 of 1,614,074 alleles (0.000062%); highest among the groups gnomAD compares: African/African-American, 0.0013%; no homozygotes.

Submission:

Labcorp Genetics (formerly Invitae), Labcorp
Classification: Uncertain significance for Alstrom syndrome. Last evaluated: 2022-04-17. Review status: criteria provided, single submitter. Criteria: Invitae Variant Classification Sherloc (09022015). Collection method: clinical testing. Allele origin: germline.
Comment: This sequence change replaces glutamic acid, which is acidic and polar, with alanine, which is neutral and non-polar, at codon 2868 of the ALMS1 protein (p.Glu2868Ala). This variant is present in population databases (rs749870806, gnomAD 0.007%). This variant has not been reported in the literature in individuals affected with ALMS1-related conditions. Experimental studies and prediction algorithms are not available or were not evaluated, and the functional significance of this variant is currently unknown. In summary, the available evidence is currently insufficient to determine the role of this variant in disease. Therefore, it has been classified as a Variant of Uncertain Significance.